The following is an entry in ClinVar:

ClinVar aggregate classification (germline): Uncertain significance. Review status: criteria provided, multiple submitters, no conflicts (2 of 4 stars). 6 submissions from 6 submitters: Uncertain significance (4). 2 of the submissions do not count toward it. Last evaluated 2024-11-11.

Conditions:
Metachromatic leukodystrophy (MLD). Also called: Cerebral sclerosis diffuse metachromatic form; ARSA DEFICIENCY; Arylsulfatase A Deficiency; SULFATIDE LIPIDOSIS; CEREBROSIDE SULFATASE DEFICIENCY; METACHROMATIC LEUKOENCEPHALOPATHY. Identifiers: Orphanet 512, MedGen C0023522, MONDO:0018868, OMIM 250100.

Allele frequency attached by ClinVar (database versions not stated): gnomAD exomes 0.00001 and 0.00002; TOPMed 0.00002; ExAC 0.00005; ESP Exome Variant Server 0.00015.

Submissions (6):

Labcorp Genetics (formerly Invitae), Labcorp
Classification: Uncertain significance for Metachromatic leukodystrophy. Last evaluated: 2024-11-11. Review status: criteria provided, single submitter. Criteria: Invitae Variant Classification Sherloc (09022015). Collection method: clinical testing. Allele origin: germline.
Comment: This sequence change replaces serine, which is neutral and polar, with arginine, which is basic and polar, at codon 45 of the ARSA protein (p.Ser45Arg). The frequency data for this variant in the population databases is considered unreliable, as metrics indicate poor data quality at this position in the gnomAD database. This missense change has been observed in individual(s) with metachromatic leukodystrophy (PMID: 12809637). This variant is also known as S43R. ClinVar contains an entry for this variant (Variation ID: 555715). Invitae Evidence Modeling of protein sequence and biophysical properties (such as structural, functional, and spatial information, amino acid conservation, physicochemical variation, residue mobility, and thermodynamic stability) indicates that this missense variant is expected to disrupt ARSA protein function with a positive predictive value of 95%. In summary, the available evidence is currently insufficient to determine the role of this variant in disease. Therefore, it has been classified as a Variant of Uncertain Significance.

Blueprint Genetics
Classification: Uncertain significance. Last evaluated: 2023-11-10. Review status: criteria provided, single submitter. Criteria: ACMG Guidelines, 2015. Collection method: clinical testing. Allele origin: germline.

Women's Health and Genetics/Laboratory Corporation of America, LabCorp
Classification: Uncertain significance. Last evaluated: 2022-12-27. Review status: criteria provided, single submitter. Criteria: LabCorp Variant Classification Summary - May 2015. Collection method: clinical testing. Allele origin: germline.
Comment: Variant summary: ARSA c.135C>A (p.Ser45Arg) results in a non-conservative amino acid change in the encoded protein sequence. Five of five in-silico tools predict a damaging effect of the variant on protein function. The variant allele was found at a frequency of 1.2e-05 in 166846 control chromosomes (gnomAD). The available data on variant occurrences in the general population are insufficient to allow any conclusion about variant significance. The variant, c.135C>A (published as c.129C>A (S43R)), has been reported in the literature in 2 siblings who had decreased ARSA enzyme activity measured in leukocytes and excess sulfatide excretion (Rafi_2003). Therefore, these data do not allow clear conclusions about variant significance. To our knowledge, no experimental evidence demonstrating an impact on protein function has been reported. Three clinical diagnostic laboratories have submitted clinical-significance assessments for this variant to ClinVar after 2014 without evidence for independent evaluation. All laboratories classified the variant as uncertain significance. Based on the evidence outlined above, the variant was classified as uncertain significance.

GeneDx
Classification: Uncertain significance. Last evaluated: 2019-07-18. Review status: criteria provided, single submitter. Criteria: GeneDx Variant Classification Process June 2021. Collection method: clinical testing. Allele origin: germline. Affected: yes.
Comment: Not observed at a significant frequency in large population cohorts (Lek et al., 2016); In silico analysis, which includes protein predictors and evolutionary conservation, supports a deleterious effect; This variant is associated with the following publications: (PMID: 12809637)

Natera, Inc.
Classification: Uncertain significance for Metachromatic leukodystrophy. Last evaluated: 2020-09-16. Review status: no assertion criteria provided. Collection method: clinical testing. Allele origin: germline. Not counted in ClinVar's aggregate classification.

Counsyl
Classification: Uncertain significance for Metachromatic leukodystrophy. Last evaluated: 2017-12-28. Review status: no assertion criteria provided. Collection method: clinical testing. Allele origin: unknown. Not counted in ClinVar's aggregate classification.

Literature cited by the submitters: PubMed 12809637 (cited by 3 submitters).

NM_000487.6(ARSA):c.135C>A (p.Ser45Arg)

Gene: ARSA (arylsulfatase A; minus strand). Cytogenetic location: 22q13.33.
Variant type: single nucleotide variant.
Coding change: c.135C>A on transcript NM_000487.6 (MANE Select); coding-DNA position 135, C replaced by A.
Protein change: p.Ser45Arg; replaces serine 45 with arginine.
Molecular consequence: missense variant. On other transcripts: intron variant (2).
Genome position (GRCh38, 1-based): chr22:50,627,645, G>T on the plus strand (C>A on the coding strand, the complement: ARSA is on the minus strand). VCF-style: chr22-50627645-G-T. GRCh37 (hg19) VCF-style: chr22-51066073-G-T.
Other names: c.135C>A, p.Ser45Arg (NM_001085425.3, NM_001085426.3, NM_001085427.3); c.-34-239C>A (NM_001362782.2, NM_001085428.3); short protein forms S45R.
Identifiers: ClinVar variation 555715 (VCV000555715.11), dbSNP rs375493957, ClinGen allele CA10325111.
Genomic context (GRCh38, chr22:50,627,645, plus strand): 5'-GTAGAAGTCTGTGAACCGCAGCCCTCCCGCCGCCAGCTGGTCCAGGTTGGGAGTGGTAGA[G>T]CTGGGGTGCCCATAGCAGCCCAGGTCCCCATAGCCGAGGTCGTCGGCAAAGATCAGCACG-3'
Protein context (NP_000478.3, residues 35-55): YGDLGCYGHP[Ser45Arg]STTPNLDQLA